The following is an entry in ClinVar:

ClinVar aggregate classification (germline): Uncertain significance. Review status: criteria provided, multiple submitters, no conflicts (2 of 4 stars). 2 submissions from 2 submitters: Uncertain significance (2). Last evaluated 2026-05-27.

Conditions:
Hereditary cancer-predisposing syndrome. Also called: Tumor predisposition; Neoplastic Syndromes, Hereditary; Hereditary Cancer Syndrome; Hereditary neoplastic syndrome. Identifiers: Orphanet 140162, MedGen C0027672, MeSH D009386, MONDO:0015356.

Allele frequency attached by ClinVar (database versions not stated): gnomAD exomes 0.00001 and below 0.00001; ExAC 0.00001.

Submissions (2):

Ambry Genetics
Classification: Uncertain significance for Hereditary cancer-predisposing syndrome. Last evaluated: 2026-05-27. Review status: criteria provided, single submitter. Criteria: Ambry Variant Classification Scheme 2023. Collection method: clinical testing. Allele origin: germline.
Comment: The p.K548R variant (also known as c.1643A>G), located in coding exon 11 of the RAD50 gene, results from an A to G substitution at nucleotide position 1643. The lysine at codon 548 is replaced by arginine, an amino acid with highly similar properties. This amino acid position is conserved. In addition, this alteration is predicted to be tolerated by in silico analysis. Based on the available evidence, the clinical significance of this variant remains unclear.

Labcorp Genetics (formerly Invitae), Labcorp
Classification: Uncertain significance for Hereditary cancer-predisposing syndrome. Last evaluated: 2022-10-27. Review status: criteria provided, single submitter. Criteria: Invitae Variant Classification Sherloc (09022015). Collection method: clinical testing. Allele origin: germline.
Comment: In summary, the available evidence is currently insufficient to determine the role of this variant in disease. Therefore, it has been classified as a Variant of Uncertain Significance. Advanced modeling of protein sequence and biophysical properties (such as structural, functional, and spatial information, amino acid conservation, physicochemical variation, residue mobility, and thermodynamic stability) performed at Invitae indicates that this missense variant is not expected to disrupt RAD50 protein function. ClinVar contains an entry for this variant (Variation ID: 1442257). This variant has not been reported in the literature in individuals affected with RAD50-related conditions. This variant is present in population databases (rs766238462, gnomAD 0.006%). This sequence change replaces lysine, which is basic and polar, with arginine, which is basic and polar, at codon 548 of the RAD50 protein (p.Lys548Arg).

NM_005732.4(RAD50):c.1643A>G (p.Lys548Arg)

Gene: RAD50 (RAD50 double strand break repair protein; plus strand). Cytogenetic location: 5q31.1.
Variant type: single nucleotide variant.
Coding change: c.1643A>G on transcript NM_005732.4 (MANE Select); coding-DNA position 1643, A replaced by G.
Protein change: p.Lys548Arg; replaces lysine 548 with arginine.
Molecular consequence: missense variant.
Genome position (GRCh38, 1-based): chr5:132,591,884, A>G. VCF-style: chr5-132591884-A-G. GRCh37 (hg19) VCF-style: chr5-131927576-A-G.
Other names: c.1643A>G (NM_005732.3); short protein forms K548R.
Identifiers: ClinVar variation 1442257 (VCV001442257.9), dbSNP rs766238462, ClinGen allele CA3405225.
Genomic context (GRCh38, chr5:132,591,884, plus strand): 5'-TATAATGTGGAGATATAGACTTTATTTTTAAAAGATTTTTTTTTTACCTATAGGCTGACA[A>G]AGATGAACAAATCAGAAAAATAAAATCTAGGCACAGTGATGAATTAACCTCACTGTTGGG-3'
Protein context (NP_005723.2, residues 538-558): MEMLTKDKAD[Lys548Arg]DEQIRKIKSR